The following is an entry in ClinVar:

ClinVar aggregate classification (germline): Uncertain significance (1 of 4 stars; one submission).

Conditions:
Inborn genetic diseases. Identifiers: MedGen C0950123, MeSH D030342.

gnomAD v4.1: 1 of 1,614,000 alleles (0.000062%); highest among the groups gnomAD compares: Non-Finnish European, 0.000085%; no homozygotes.

Submission:

Ambry Genetics
Classification: Uncertain significance for Inborn genetic diseases. Last evaluated: 2025-04-13. Review status: criteria provided, single submitter. Criteria: Ambry Variant Classification Scheme 2023. Collection method: clinical testing. Allele origin: germline.
Comment: The p.L258V variant (also known as c.772C>G), located in coding exon 6 of the MIB1 gene, results from a C to G substitution at nucleotide position 772. The leucine at codon 258 is replaced by valine, an amino acid with highly similar properties. This amino acid position is conserved. In addition, this alteration is predicted to be tolerated by in silico analysis. Based on the available evidence, the clinical significance of this variant remains unclear.

NM_020774.4(MIB1):c.772C>G (p.Leu258Val)

Gene: MIB1 (MIB E3 ubiquitin protein ligase 1; plus strand). Cytogenetic location: 18q11.2.
Variant type: single nucleotide variant.
Coding change: c.772C>G on transcript NM_020774.4 (MANE Select); coding-DNA position 772, C replaced by G.
Protein change: p.Leu258Val; replaces leucine 258 with valine.
Molecular consequence: missense variant.
Genome position (GRCh38, 1-based): chr18:21,779,549, C>G. VCF-style: chr18-21779549-C-G. GRCh37 (hg19) VCF-style: chr18-19359510-C-G.
Other names: short protein forms L258V.
Identifiers: ClinVar variation 4054644 (VCV004054644.1).